The following is an entry in ClinVar:

ClinVar aggregate classification (germline): Pathogenic (1 of 4 stars; one submission).

Submission:

Athena Diagnostics
Classification: Pathogenic. Last evaluated: 2019-10-23. Review status: criteria provided, single submitter. Criteria: Athena Diagnostics Criteria. Collection method: clinical testing. Allele origin: unknown.
Comment: The variant creates a premature nonsense codon, and is therefore predicted to result in the loss of a functional protein. Found in at least one patient with expected phenotype for this gene, and not found in general population data.

Literature cited by the submitters: PubMed 27835667.

NM_001009944.3(PKD1):c.5678G>A (p.Trp1893Ter)

Gene: PKD1 (polycystin 1, transient receptor potential channel interacting; minus strand). Cytogenetic location: 16p13.3.
Variant type: single nucleotide variant.
Coding change: c.5678G>A on transcript NM_001009944.3 (MANE Select); coding-DNA position 5678, G replaced by A.
Protein change: p.Trp1893Ter; replaces tryptophan 1893 with a stop codon.
Molecular consequence: nonsense.
Genome position (GRCh38, 1-based): chr16:2,109,489, C>T on the plus strand (G>A on the coding strand, the complement: PKD1 is on the minus strand). VCF-style: chr16-2109489-C-T. GRCh37 (hg19) VCF-style: chr16-2159490-C-T.
Other names: c.5678G>A, p.Trp1893Ter (NM_000296.4); short protein forms W1893*.
Identifiers: ClinVar variation 995200 (VCV000995200.1), dbSNP rs2092446562, ClinGen allele CA394375932.